The following is an entry in ClinVar:

ClinVar aggregate classification (germline): Uncertain significance. Review status: criteria provided, multiple submitters, no conflicts (2 of 4 stars). 2 submissions from 2 submitters: Uncertain significance (2). Last evaluated 2025-09-01.

Conditions:
Inborn genetic diseases. Identifiers: MedGen C0950123, MeSH D030342.
Leber congenital amaurosis 6 (LCA6). Identifiers: Orphanet 65, MedGen C1854260, MONDO:0013446, OMIM 613826.
Cone-rod dystrophy 13 (CORD13). Identifiers: Orphanet 1872, MedGen C2750720, MONDO:0011987, OMIM 608194.

Allele frequency attached by ClinVar (database versions not stated): TOPMed below 0.00001; gnomAD 0.00001; gnomAD exomes 0.00001 and 0.00003; ExAC 0.00004; ESP Exome Variant Server 0.00008.

Submissions (2):

Ambry Genetics
Classification: Uncertain significance for Inborn genetic diseases. Last evaluated: 2025-09-01. Review status: criteria provided, single submitter. Criteria: Ambry Variant Classification Scheme 2023. Collection method: clinical testing. Allele origin: germline.

Labcorp Genetics (formerly Invitae), Labcorp
Classification: Uncertain significance for Leber congenital amaurosis 6; Cone-rod dystrophy 13. Last evaluated: 2021-08-27. Review status: criteria provided, single submitter. Criteria: Invitae Variant Classification Sherloc (09022015). Collection method: clinical testing. Allele origin: germline.
Comment: This sequence change replaces methionine with isoleucine at codon 1019 of the RPGRIP1 protein (p.Met1019Ile). The methionine residue is moderately conserved and there is a small physicochemical difference between methionine and isoleucine. This variant is present in population databases (rs374298935, ExAC 0.05%). This variant has not been reported in the literature in individuals affected with RPGRIP1-related conditions. Algorithms developed to predict the effect of missense changes on protein structure and function output the following: SIFT: "Tolerated"; PolyPhen-2: "Benign"; Align-GVGD: "Class C0". The isoleucine amino acid residue is found in multiple mammalian species, which suggests that this missense change does not adversely affect protein function. In summary, the available evidence is currently insufficient to determine the role of this variant in disease. Therefore, it has been classified as a Variant of Uncertain Significance.

NM_020366.4(RPGRIP1):c.3057G>A (p.Met1019Ile)

Gene: RPGRIP1 (RPGR interacting protein 1; plus strand). Cytogenetic location: 14q11.2.
Variant type: single nucleotide variant.
Coding change: c.3057G>A on transcript NM_020366.4 (MANE Select); coding-DNA position 3057, G replaced by A.
Protein change: p.Met1019Ile; replaces methionine 1019 with isoleucine.
Molecular consequence: missense variant.
Genome position (GRCh38, 1-based): chr14:21,328,585, G>A. VCF-style: chr14-21328585-G-A. GRCh37 (hg19) VCF-style: chr14-21796744-G-A.
Other names: c.1035G>A, p.Met345Ile (NM_001377523.1, NM_001377950.1); c.1983G>A, p.Met661Ile (NM_001377948.1); c.1143G>A, p.Met381Ile (NM_001377949.1); c.537G>A, p.Met179Ile (NM_001377951.1); c.3057G>A (NM_020366.3); short protein forms M1019I, M179I, M345I, M381I, M661I.
Identifiers: ClinVar variation 1053199 (VCV001053199.7), dbSNP rs374298935, ClinGen allele CA7089401.